The following is an entry in ClinVar:

NM_000548.5(TSC2):c.4556TGC[1] (p.Leu1520del)

Gene: TSC2 (TSC complex subunit 2; plus strand). Cytogenetic location: 16p13.3.
Variant type: Microsatellite.
Coding change: c.4556TGC[1] on transcript NM_000548.5 (MANE Select); one copy of the 3-base unit TGC starting at c.4556; the reference has two copies in a row; one copy, 3 bases deleted; also written c.4559_4561del.
Protein change: p.Leu1520del; deletes leucine 1520.
Molecular consequence: inframe indel (on NM_000548.3). On other transcripts: non-coding transcript variant (5).
Genome position (GRCh38, 1-based): chr16:2,085,016-2,085,018, TGC deleted; deleting any 3 consecutive bases within chr16:2,085,012-2,085,018 gives the same sequence; the position shown is the placement nearest the transcript's 3' end. VCF-style (leftmost placement, unchanged base first): chr16-2085011-CCTG-C. GRCh37 (hg19) VCF-style: chr16-2135012-CCTG-C.
Other names: c.4559_4561delTGC (NM_000548.3); c.4556_4558TGC[1], p.Leu1520del (NM_000548.3); c.4355TGC[1], p.Leu1453del (NM_001077183.3); c.4487TGC[1], p.Leu1497del (NM_001114382.3); c.4247TGC[1], p.Leu1417del (NM_001318827.2); c.4211TGC[1], p.Leu1405del (NM_001318829.2); c.3824TGC[1], p.Leu1276del (NM_001318831.2); c.4388TGC[1], p.Leu1464del (NM_001318832.2); and 29 more; short protein forms L1005del, L1006del, L1028del, L1029del, L1049del, L1253del, L1254del, L1276del.
Identifiers: ClinVar variation 3364409 (VCV003364409.2).

ClinVar aggregate classification (germline): Uncertain significance. Review status: criteria provided, multiple submitters, no conflicts (2 of 4 stars). 2 submissions from 2 submitters: Uncertain significance (2). Last evaluated 2026-02-09.

Conditions:
Hereditary cancer-predisposing syndrome. Also called: Hereditary neoplastic syndrome; Tumor predisposition; Neoplastic Syndromes, Hereditary; Hereditary Cancer Syndrome. Identifiers: Orphanet 140162, MedGen C0027672, MeSH D009386, MONDO:0015356.

Submissions (2):

Ambry Genetics
Classification: Uncertain significance for Hereditary cancer-predisposing syndrome. Last evaluated: 2026-02-09. Review status: criteria provided, single submitter. Criteria: Ambry Variant Classification Scheme 2023. Collection method: clinical testing. Allele origin: germline.
Comment: The c.4559_4561delTGC variant (also known as p.L1520del) is located in coding exon 34 of the TSC2 gene. This variant results from an in-frame TGC deletion at nucleotide positions 4559 to 4561. This results in the in-frame deletion of a leucine at codon 1520. This amino acid position is well conserved in available vertebrate species. In addition, the in silico prediction for this variant is inconclusive (Choi Y et al. PLoS ONE. 2012; 7(10):e46688). Based on the available evidence, the clinical significance of this variant remains unclear.

GeneDx
Classification: Uncertain significance. Last evaluated: 2023-11-20. Review status: criteria provided, single submitter. Criteria: GeneDx Variant Classification Process June 2021. Collection method: clinical testing. Allele origin: germline. Affected: yes.
Comment: Not observed at significant frequency in large population cohorts (gnomAD); In-frame deletion of 1 amino acid in a non-repeat region; In silico analysis supports a deleterious effect on protein structure/function; Has not been previously published as pathogenic or benign to our knowledge